The following is an entry in ClinVar:

ClinVar aggregate classification (germline): Uncertain significance. Review status: criteria provided, multiple submitters, no conflicts (2 of 4 stars). 3 submissions from 3 submitters: Uncertain significance (3). Last evaluated 2026-03-10.

Conditions:
Inborn genetic diseases. Identifiers: MedGen C0950123, MeSH D030342.
Developmental and epileptic encephalopathy, 42 (DEE42A). Also called: DEVELOPMENTAL AND EPILEPTIC ENCEPHALOPATHY 42A; EPILEPTIC ENCEPHALOPATHY, EARLY INFANTILE, 42A; Epileptic encephalopathy, early infantile, 42. Identifiers: MedGen C4310716, MONDO:0014917, OMIM 617106.
Episodic ataxia type 2 (EA2). Also called: ACETAZOLAMIDE-RESPONSIVE HEREDITARY PAROXYSMAL CEREBELLAR ATAXIA; ATAXIA, EPISODIC, WITH NYSTAGMUS; ATAXIA, FAMILIAL PAROXYSMAL; CEREBELLAR ATAXIA, PAROXYSMAL, ACETAZOLAMIDE-RESPONSIVE; CEREBELLOPATHY, HEREDITARY PAROXYSMAL; EPISODIC ATAXIA, NYSTAGMUS-ASSOCIATED. Identifiers: Orphanet 97, MedGen C1720416, MONDO:0007163, OMIM 108500.

Allele frequency attached by ClinVar (database versions not stated): gnomAD exomes below 0.00001.
gnomAD v4.1: 5 of 1,579,910 alleles (0.00032%); highest among the groups gnomAD compares: Non-Finnish European, 0.00043%; no homozygotes.

Submissions (3):

Ambry Genetics
Classification: Uncertain significance for Inborn genetic diseases. Last evaluated: 2026-03-10. Review status: criteria provided, single submitter. Criteria: Ambry Variant Classification Scheme 2023. Collection method: clinical testing. Allele origin: germline.
Comment: The c.79A>G (p.S27G) alteration is located in exon 1 (coding exon 1) of the CACNA1A gene. This alteration results from a A to G substitution at nucleotide position 79, causing the serine (S) at amino acid position 27 to be replaced by a glycine (G). Based on data from gnomAD, the G allele has an overall frequency of <0.001% (1/188520) total alleles studied. The highest observed frequency was 0.001% (1/79184) of European (non-Finnish) alleles. Based on insufficient or conflicting evidence, the clinical significance of this alteration remains unclear.

Mayo Clinic Laboratories, Mayo Clinic
Classification: Uncertain significance. Last evaluated: 2025-06-27. Review status: criteria provided, single submitter. Criteria: ACMG Guidelines, 2015. Collection method: clinical testing. Allele origin: germline. Observed: 1 variant allele.
Comment: BP4

Labcorp Genetics (formerly Invitae), Labcorp
Classification: Uncertain significance for Developmental and epileptic encephalopathy, 42; Episodic ataxia type 2. Last evaluated: 2023-07-07. Review status: criteria provided, single submitter. Criteria: Invitae Variant Classification Sherloc (09022015). Collection method: clinical testing. Allele origin: germline.
Comment: This sequence change replaces serine, which is neutral and polar, with glycine, which is neutral and non-polar, at codon 27 of the CACNA1A protein (p.Ser27Gly). The frequency data for this variant in the population databases is considered unreliable, as metrics indicate poor data quality at this position in the gnomAD database. This variant has not been reported in the literature in individuals affected with CACNA1A-related conditions. Advanced modeling of protein sequence and biophysical properties (such as structural, functional, and spatial information, amino acid conservation, physicochemical variation, residue mobility, and thermodynamic stability) performed at Invitae indicates that this missense variant is not expected to disrupt CACNA1A protein function. In summary, the available evidence is currently insufficient to determine the role of this variant in disease. Therefore, it has been classified as a Variant of Uncertain Significance.

NM_001127222.2(CACNA1A):c.79A>G (p.Ser27Gly)

Gene: CACNA1A (calcium voltage-gated channel subunit alpha1 A; minus strand). Cytogenetic location: 19p13.13.
Variant type: single nucleotide variant.
Coding change: c.79A>G on transcript NM_001127222.2 (MANE Select); coding-DNA position 79, A replaced by G.
Protein change: p.Ser27Gly; replaces serine 27 with glycine.
Molecular consequence: missense variant.
Genome position (GRCh38, 1-based): chr19:13,506,146, T>C on the plus strand (A>G on the coding strand, the complement: CACNA1A is on the minus strand). VCF-style: chr19-13506146-T-C. GRCh37 (hg19) VCF-style: chr19-13616960-T-C.
Other names: p.Ser27Gly; c.79A>G, p.Ser27Gly (NM_000068.4, NM_001127221.2, NM_001174080.2 and 1 more transcripts); short protein forms S27G.
Identifiers: ClinVar variation 2930284 (VCV002930284.5), dbSNP rs1230511962, ClinGen allele CA404971252.